The following is an entry in ClinVar:

ClinVar aggregate classification (germline): Uncertain significance. Review status: criteria provided, multiple submitters, no conflicts (2 of 4 stars). 3 submissions from 3 submitters: Uncertain significance (3). Last evaluated 2024-04-20.

Conditions:
Brugada syndrome 7 (BRGDA7). Identifiers: Orphanet 130, MedGen C2751088, MONDO:0013146, OMIM 613120.
Cardiovascular phenotype. Identifiers: MedGen CN230736.

Allele frequency attached by ClinVar (database versions not stated): gnomAD exomes 0.00001 and 0.00002; ExAC 0.00004; gnomAD 0.00004; TOPMed 0.00004; ESP Exome Variant Server 0.00008.
gnomAD v4.1: 27 of 1,614,012 alleles (0.0017%); highest among the groups gnomAD compares: African/African-American, 0.004%; no homozygotes.

Submissions (3):

Labcorp Genetics (formerly Invitae), Labcorp
Classification: Uncertain significance for Brugada syndrome 7. Last evaluated: 2024-04-20. Review status: criteria provided, single submitter. Criteria: Invitae Variant Classification Sherloc (09022015). Collection method: clinical testing. Allele origin: germline.
Comment: This sequence change replaces threonine, which is neutral and polar, with methionine, which is neutral and non-polar, at codon 33 of the SCN3B protein (p.Thr33Met). This variant is present in population databases (rs140041927, gnomAD 0.01%). This variant has not been reported in the literature in individuals affected with SCN3B-related conditions. ClinVar contains an entry for this variant (Variation ID: 582724). An algorithm developed to predict the effect of missense changes on protein structure and function (PolyPhen-2) suggests that this variant is likely to be disruptive. In summary, the available evidence is currently insufficient to determine the role of this variant in disease. Therefore, it has been classified as a Variant of Uncertain Significance.

Ambry Genetics
Classification: Uncertain significance for Cardiovascular phenotype. Last evaluated: 2023-04-24. Review status: criteria provided, single submitter. Criteria: Ambry Variant Classification Scheme 2023. Collection method: clinical testing. Allele origin: germline.
Comment: The p.T33M variant (also known as c.98C>T), located in coding exon 2 of the SCN3B gene, results from a C to T substitution at nucleotide position 98. The threonine at codon 33 is replaced by methionine, an amino acid with similar properties. This amino acid position is highly conserved in available vertebrate species. In addition, the in silico prediction for this alteration is inconclusive. Since supporting evidence is limited at this time, the clinical significance of this alteration remains unclear.

Fulgent Genetics
Classification: Uncertain significance for Brugada syndrome 7. Last evaluated: 2021-10-31. Review status: criteria provided, single submitter. Criteria: ACMG Guidelines, 2015. Collection method: clinical testing. Allele origin: unknown.

NM_001040151.2(SCN3B):c.98C>T (p.Thr33Met)

Gene: SCN3B (sodium voltage-gated channel beta subunit 3; minus strand). Cytogenetic location: 11q24.1.
Variant type: single nucleotide variant.
Coding change: c.98C>T on transcript NM_001040151.2 (MANE Select); coding-DNA position 98, C replaced by T.
Protein change: p.Thr33Met; replaces threonine 33 with methionine.
Molecular consequence: missense variant.
Genome position (GRCh38, 1-based): chr11:123,645,708, G>A on the plus strand (C>T on the coding strand, the complement: SCN3B is on the minus strand). VCF-style: chr11-123645708-G-A. GRCh37 (hg19) VCF-style: chr11-123516416-G-A.
Other names: c.98C>T, p.Thr33Met (NM_018400.4); short protein forms T33M.
Identifiers: ClinVar variation 582724 (VCV000582724.11), dbSNP rs140041927, ClinGen allele CA6334084.